The following is an entry in ClinVar:

NM_022095.4(ZNF335):c.3346G>A (p.Gly1116Arg)

Gene: ZNF335 (zinc finger protein 335; minus strand). Cytogenetic location: 20q13.12.
Variant type: single nucleotide variant.
Coding change: c.3346G>A on transcript NM_022095.4 (MANE Select); coding-DNA position 3346, G replaced by A.
Protein change: p.Gly1116Arg; replaces glycine 1116 with arginine.
Molecular consequence: missense variant.
Genome position (GRCh38, 1-based): chr20:45,950,360, C>T on the plus strand (G>A on the coding strand, the complement: ZNF335 is on the minus strand). VCF-style: chr20-45950360-C-T. GRCh37 (hg19) VCF-style: chr20-44578999-C-T.
Other names: c.3346G>A (NM_022095.3); short protein forms G1116R.
Identifiers: ClinVar variation 998091 (VCV000998091.5), dbSNP rs780393773, ClinGen allele CA9885062.

ClinVar aggregate classification (germline): Conflicting classifications of pathogenicity. Review status: no assertion criteria provided (0 of 4 stars). 3 submissions from 2 submitters: Pathogenic (1); Likely pathogenic (1); Uncertain significance (1). Last evaluated 2020-03-01.

Conditions:
Microcephalic primordial dwarfism due to ZNF335 deficiency. Also called: Primary autosomal recessive microcephaly 10. Identifiers: Orphanet 329228, MedGen C3554499, MONDO:0014043, OMIM 615095.
Autism (AUTS). Also called: Autistic disorder; Autistic disorder of childhood onset. Identifiers: MedGen C0004352, MeSH D001321, MONDO:0005260, OMIM 209850, HP:0000717.
Aminoacylase 1 deficiency. Also called: Neurological conditions associated with aminoacylase 1 deficiency. Identifiers: Orphanet 137754, MedGen C1835922, MONDO:0012368, OMIM 609924.

Allele frequency attached by ClinVar (database versions not stated): gnomAD exomes 0.00001 and below 0.00001; ExAC 0.00001.
gnomAD v4.1: 6 of 1,593,748 alleles (0.00038%); highest among the groups gnomAD compares: Admixed American, 0.0017%; no homozygotes.

Submissions (3):

Medical Genetics Laboratory, Tarbiat Modares University
Classification: Likely pathogenic for Aminoacylase 1 deficiency. Last evaluated: 2020-03-01. Review status: no assertion criteria provided. Collection method: clinical testing. Allele origin: inherited. Inheritance: Autosomal recessive inheritance. Affected: yes. Clinical features observed: Secondary microcephaly (HP:0005484), Primary microcephaly (HP:0011451), Secondary microcephaly.
Comment: The interesting finding in these siblings was two different presentations of the same variant: one case with primary and one case with secondary microcephaly.A novel homozygous missense variant, [NM_022095.4: c.3346G>A; p.(Gly1116Arg)], was identified in the ZNF335 gene in both patients

Centre for Addiction & Mental Health
Classification: Uncertain significance for Autism. Review status: no assertion criteria provided. Collection method: research. Allele origin: biparental. Affected: yes. Observed: 1 homozygote. Segregation with disease observed.
Comment: Non-frameshifting variant, biallelic, in known disease gene, but functional effect unknown

Medical Genetics Laboratory, Tarbiat Modares University
Classification: Pathogenic for Microcephalic primordial dwarfism due to ZNF335 deficiency. Review status: no assertion criteria provided. Collection method: clinical testing. Allele origin: inherited. Inheritance: Autosomal recessive inheritance. Affected: yes. Observed: 1 variant allele, 1 homozygote.